The following is an entry in ClinVar:

NM_201384.3(PLEC):c.11634G>A (p.Ser3878=)

Gene: PLEC (plectin; minus strand). Cytogenetic location: 8q24.3.
Variant type: single nucleotide variant.
Coding change: c.11634G>A on transcript NM_201384.3 (MANE Select); coding-DNA position 11634, G replaced by A.
Protein change: p.Ser3878=; no amino-acid change (serine 3878 retained).
Molecular consequence: synonymous variant.
Genome position (GRCh38, 1-based): chr8:143,918,187, C>T on the plus strand (G>A on the coding strand, the complement: PLEC is on the minus strand). VCF-style: chr8-143918187-C-T. GRCh37 (hg19) VCF-style: chr8-144992355-C-T.
Other names: c.11715G>A, p.Ser3905= (NM_000445.5); c.11592G>A, p.Ser3864= (NM_201378.4); c.11568G>A, p.Ser3856= (NM_201379.3); c.12045G>A, p.Ser4015= (NM_201380.4); c.11538G>A, p.Ser3846= (NM_201381.3); c.11634G>A, p.Ser3878= (NM_201382.4); c.11646G>A, p.Ser3882= (NM_201383.3).
Identifiers: ClinVar variation 508553 (VCV000508553.49), dbSNP rs375097273, ClinGen allele CA4924283.

ClinVar aggregate classification (germline): Conflicting classifications of pathogenicity. Review status: criteria provided, conflicting classifications (1 of 4 stars). 7 submissions from 7 submitters: Uncertain significance (1); Likely benign (5). 1 of the submissions does not count toward it. Last evaluated 2026-01-22.

Conditions:
PLEC-related disorder. Also called: PLEC-related disorders; PLEC-related condition.
Epidermolysis bullosa simplex 5C, with pyloric atresia (EBS5C). Also called: PLEC-Related Epidermolysis Bullosa with Pyloric Atresia; Epidermolysis bullosa simplex with pyloric atresia; PLEC1-Related Epidermolysis Bullosa with Pyloric Atresia. Identifiers: Orphanet 158684, MedGen C2677349, MONDO:0012807, OMIM 612138.
Epidermolysis bullosa simplex, Ogna type (EBS5A). Also called: Pidermolysis bullosa simplex 5A, Ogna type; EPIDERMOLYSIS BULLOSA SIMPLEX 5A, OGNA TYPE. Identifiers: Orphanet 79401, MedGen C0432317, MONDO:0007555, OMIM 131950.
Autosomal recessive limb-girdle muscular dystrophy type 2Q (LGMDR17). Also called: MUSCULAR DYSTROPHY, LIMB-GIRDLE, AUTOSOMAL RECESSIVE 17. Identifiers: Orphanet 254361, MedGen C3150989, MONDO:0013390, OMIM 613723.
Epidermolysis bullosa simplex with nail dystrophy (EBS5D). Identifiers: MedGen C4225309, MONDO:0014661, OMIM 616487.
Epidermolysis bullosa simplex 5B, with muscular dystrophy (EBS5B). Also called: Epidermolysis bullosa simplex with muscular dystrophy; EPIDERMOLYSIS BULLOSA SIMPLEX AND LIMB-GIRDLE MUSCULAR DYSTROPHY. Identifiers: Orphanet 257, MedGen C2931072, MONDO:0009181, OMIM 226670.

Allele frequency attached by ClinVar (database versions not stated): 1000 Genomes Project 30x 0.00016; 1000 Genomes Project 0.00020; gnomAD 0.00020 and 0.00021; gnomAD exomes 0.00023 and 0.00030; ESP Exome Variant Server 0.00026; ExAC 0.00029; TOPMed 0.00030.
gnomAD v4.1: 364 of 1,592,530 alleles (0.023%); highest among the groups gnomAD compares: Middle Eastern, 0.25%; 1 homozygote.

Submissions (7):

Labcorp Genetics (formerly Invitae), Labcorp
Classification: Likely benign for Autosomal recessive limb-girdle muscular dystrophy type 2Q; Epidermolysis bullosa simplex, Ogna type; Epidermolysis bullosa simplex with nail dystrophy; Epidermolysis bullosa simplex 5C, with pyloric atresia; Epidermolysis bullosa simplex 5B, with muscular dystrophy. Last evaluated: 2026-01-22. Review status: criteria provided, single submitter. Criteria: Invitae Variant Classification Sherloc (09022015). Collection method: clinical testing. Allele origin: germline.

Blueprint Genetics
Classification: Likely benign. Last evaluated: 2024-11-19. Review status: criteria provided, single submitter. Criteria: ACMG Guidelines, 2015. Collection method: clinical testing. Allele origin: germline.

CeGaT Center for Human Genetics Tuebingen
Classification: Likely benign. Last evaluated: 2023-01-01. Review status: criteria provided, single submitter. Criteria: CeGaT Center For Human Genetics Tuebingen Variant Classification Criteria Version 2. Collection method: clinical testing. Allele origin: germline. Affected: yes. Observed: 4 variant alleles.
Comment: PLEC: BP4, BP7

GeneDx
Classification: Likely benign. Last evaluated: 2020-04-02. Review status: criteria provided, single submitter. Criteria: GeneDx Variant Classification Process June 2021. Collection method: clinical testing. Allele origin: germline. Affected: yes.

Athena Diagnostics
Classification: Likely benign. Last evaluated: 2018-12-04. Review status: criteria provided, single submitter. Criteria: Athena Diagnostics Criteria. Collection method: clinical testing. Allele origin: germline.

Eurofins Ntd Llc (ga)
Classification: Uncertain significance. Last evaluated: 2018-01-22. Review status: criteria provided, single submitter. Criteria: EGL Classification Definitions 2015. Collection method: clinical testing. Allele origin: germline. Observed: 3 variant alleles, 3 heterozygotes.

PreventionGenetics, part of Exact Sciences
Classification: Likely benign for PLEC-related condition. Last evaluated: 2023-10-18. Review status: no assertion criteria provided. Collection method: clinical testing. Allele origin: germline. Not counted in ClinVar's aggregate classification.
Comment: This variant is classified as likely benign based on ACMG/AMP sequence variant interpretation guidelines (Richards et al. 2015 PMID: 25741868, with internal and published modifications).